The following is an entry in ClinVar:

NM_198253.3(TERT):c.530A>G (p.Gln177Arg)

Gene: TERT (telomerase reverse transcriptase; minus strand). Cytogenetic location: 5p15.33.
Variant type: single nucleotide variant.
Coding change: c.530A>G on transcript NM_198253.3 (MANE Select); coding-DNA position 530, A replaced by G.
Protein change: p.Gln177Arg; replaces glutamine 177 with arginine.
Molecular consequence: missense variant. On other transcripts: non-coding transcript variant (2).
Genome position (GRCh38, 1-based): chr5:1,294,356, T>C on the plus strand (A>G on the coding strand, the complement: TERT is on the minus strand). VCF-style: chr5-1294356-T-C. GRCh37 (hg19) VCF-style: chr5-1294471-T-C.
Other names: c.530A>G, p.Gln177Arg (NM_001193376.3, NM_003219.1); short protein forms Q177R.
Identifiers: ClinVar variation 1746744 (VCV001746744.4), dbSNP rs2478425837, ClinGen allele CA359057709.

ClinVar aggregate classification (germline): Uncertain significance. Review status: criteria provided, multiple submitters, no conflicts (2 of 4 stars). 2 submissions from 2 submitters: Uncertain significance (2). Last evaluated 2024-10-29.

Conditions:
Dyskeratosis congenita. Identifiers: Orphanet 1775, MedGen C0265965, MONDO:0015780.
Idiopathic Pulmonary Fibrosis. Also called: Idiopathic fibrosing alveolitis, chronic form; idiopathic fibrosing alveolitis. Identifiers: Orphanet 2032, MedGen C1800706, MeSH D054990, MONDO:0800504.
Dyskeratosis congenita, autosomal dominant 2. Identifiers: MedGen C3151443, MONDO:0013521, OMIM 613989.

Allele frequency attached by ClinVar (database versions not stated): gnomAD exomes below 0.00001.
gnomAD v4.1: 2 of 1,577,770 alleles (0.00013%); highest among the groups gnomAD compares: Non-Finnish European, 0.000086%; no homozygotes.

Submissions (2):

Labcorp Genetics (formerly Invitae), Labcorp
Classification: Uncertain significance for Dyskeratosis congenita, autosomal dominant 2; Idiopathic Pulmonary Fibrosis. Last evaluated: 2024-10-29. Review status: criteria provided, single submitter. Criteria: Invitae Variant Classification Sherloc (09022015). Collection method: clinical testing. Allele origin: germline.
Comment: This sequence change replaces glutamine, which is neutral and polar, with arginine, which is basic and polar, at codon 177 of the TERT protein (p.Gln177Arg). This variant is not present in population databases (gnomAD no frequency). This variant has not been reported in the literature in individuals affected with TERT-related conditions. ClinVar contains an entry for this variant (Variation ID: 1746744). Invitae Evidence Modeling of protein sequence and biophysical properties (such as structural, functional, and spatial information, amino acid conservation, physicochemical variation, residue mobility, and thermodynamic stability) indicates that this missense variant is not expected to disrupt TERT protein function with a negative predictive value of 95%. In summary, the available evidence is currently insufficient to determine the role of this variant in disease. Therefore, it has been classified as a Variant of Uncertain Significance.

Ambry Genetics
Classification: Uncertain significance for Dyskeratosis congenita. Last evaluated: 2022-10-27. Review status: criteria provided, single submitter. Criteria: Ambry Variant Classification Scheme 2023. Collection method: clinical testing. Allele origin: germline.
Comment: The p.Q177R variant (also known as c.530A>G), located in coding exon 2 of the TERT gene, results from an A to G substitution at nucleotide position 530. The glutamine at codon 177 is replaced by arginine, an amino acid with highly similar properties. This amino acid position is conserved. In addition, this alteration is predicted to be tolerated by in silico analysis. Since supporting evidence is limited at this time, the clinical significance of this alteration remains unclear.